The following is an entry in ClinVar:

NM_004329.3(BMPR1A):c.67+6dup

Gene: BMPR1A (bone morphogenetic protein receptor type 1A; plus strand). Cytogenetic location: 10q23.2.
Variant type: Duplication.
Coding change: c.67+6dup on transcript NM_004329.3 (MANE Select); 6 bases into the intron after coding-DNA position 67, one base duplicated (T; older notation c.67+6dupT).
Molecular consequence: intron variant.
Genome position (GRCh38, 1-based): chr10:86,876,091, T duplicated. VCF-style (leftmost placement, unchanged base first): chr10-86876090-A-AT. GRCh37 (hg19) VCF-style: chr10-88635847-A-AT.
Other names: c.67+6dup (NM_001406569.1, NM_001406578.1, NM_001406580.1 and 23 more transcripts); c.-13+6dup (NM_001406588.1); c.-17-13971dup (NM_001406587.1, NM_001406585.1, NM_001406584.1); c.-12-13976dup (NM_001406586.1).
Identifiers: ClinVar variation 3379209 (VCV003379209.1).

ClinVar aggregate classification (germline): Likely benign (1 of 4 stars; one submission).

Conditions:
Juvenile polyposis syndrome (JPS). Identifiers: Orphanet 2929, MedGen C0345893, MONDO:0017380, OMIM 174900.

Submission:

Myriad Genetics, Inc.
Classification: Likely benign for Juvenile polyposis syndrome. Last evaluated: 2024-07-30. Review status: criteria provided, single submitter. Criteria: Myriad Autosomal Dominant, Autosomal Recessive and X-Linked Classification Criteria (2023). Collection method: clinical testing. Allele origin: unknown.
Comment: This variant is considered likely benign. This variant is intronic and is not expected to impact mRNA splicing.